The following is an entry in ClinVar:

ClinVar aggregate classification (germline): Uncertain significance (0 of 4 stars; one submission).

Conditions:
TMEM67-related disorder. Also called: TMEM67-related condition; TMEM67-related disorders. Identifiers: MedGen CN239423.

Submission:

PreventionGenetics, part of Exact Sciences
Classification: Uncertain significance for TMEM67-related condition. Last evaluated: 2024-07-26. Review status: no assertion criteria provided. Collection method: clinical testing. Allele origin: germline.
Comment: The TMEM67 c.2074G>A variant is predicted to result in the amino acid substitution p.Val692Ile. To our knowledge, this variant has not been reported in the literature or in a large population database, indicating this variant is rare. At this time, the clinical significance of this variant is uncertain due to the absence of conclusive functional and genetic evidence.

NM_153704.6(TMEM67):c.2074G>A (p.Val692Ile)

Gene: TMEM67 (transmembrane protein 67; plus strand). Cytogenetic location: 8q22.1.
Variant type: single nucleotide variant.
Coding change: c.2074G>A on transcript NM_153704.6 (MANE Select); coding-DNA position 2074, G replaced by A.
Protein change: p.Val692Ile; replaces valine 692 with isoleucine.
Molecular consequence: missense variant. On other transcripts: non-coding transcript variant (1).
Genome position (GRCh38, 1-based): chr8:93,797,444, G>A. VCF-style: chr8-93797444-G-A. GRCh37 (hg19) VCF-style: chr8-94809672-G-A.
Other names: c.1831G>A, p.Val611Ile (NM_001142301.1); short protein forms V611I, V692I.
Identifiers: ClinVar variation 3346874 (VCV003346874.1).